The following is an entry in ClinVar:

NM_001142800.2(EYS):c.8984T>A (p.Ile2995Asn)

Genes: EYS (EGF-like photoreceptor maintenance factor; minus strand), PHF3 (PHD finger protein 3; plus strand). Cytogenetic location: 6q12.
Variant type: single nucleotide variant.
Coding change: c.8984T>A on transcript NM_001142800.2 (MANE Select); coding-DNA position 8984, T replaced by A.
Protein change: p.Ile2995Asn; replaces isoleucine 2995 with asparagine.
Molecular consequence: missense variant. On other transcripts: 3 prime UTR variant (5).
Genome position (GRCh38, 1-based): chr6:63,721,047, A>T on the plus strand (T>A on the coding strand, the complement: EYS is on the minus strand). VCF-style: chr6-63721047-A-T. GRCh37 (hg19) VCF-style: chr6-64430943-A-T.
Other names: c.*7339A>T (NM_001290259.2, NM_001370348.2, NM_001370349.2 and 2 more transcripts); c.9047T>A, p.Ile3016Asn (NM_001292009.2); short protein forms I3016N, I2995N.
Identifiers: ClinVar variation 939428 (VCV000939428.17), dbSNP rs1211856182, ClinGen allele CA364383526.

ClinVar aggregate classification (germline): Pathogenic/Likely pathogenic. Review status: criteria provided, multiple submitters, no conflicts (2 of 4 stars). 7 submissions from 7 submitters: Pathogenic (3); Likely pathogenic (4). Last evaluated 2025-10-09.

Conditions:
Retinal dystrophy. Also called: Inherited retinal dystrophy. Identifiers: Orphanet 71862, MedGen C0854723, MeSH D058499, MONDO:0019118, HP:0000556.
Retinitis pigmentosa (RP). Identifiers: Orphanet 791, MedGen C0035334, MeSH D012174, MONDO:0019200, OMIM 268000. Inheritance: Autosomal dominant, autosomal recessive and X linked inheritance.
Retinitis pigmentosa 25 (RP25). Identifiers: Orphanet 791, MedGen C1864446, MONDO:0011272, OMIM 602772.

Allele frequency attached by ClinVar (database versions not stated): gnomAD 0.00001.
gnomAD v4.1: 18 of 1,551,248 alleles (0.0012%); highest among the groups gnomAD compares: Non-Finnish European, 0.0016%; no homozygotes.

Submissions (7):

Natera, Inc.
Classification: Likely pathogenic for Retinitis pigmentosa type 25. Last evaluated: 2025-10-09. Review status: criteria provided, single submitter. Criteria: Natera Variant Classification Schema (03/2026). Collection method: clinical testing. Allele origin: germline.
Comment: The c.8984T>A variant in EYS is a missense variant predicted to cause substitution of isoleucine to asparagine at amino acid 2995. This variant is rare in the general population with a frequency below the threshold expected for the associated phenotype(s). This variant has been observed in one or more individuals affected with the associated recessive disease, as either homozygous or compound heterozygous with a second variant (PMID: 20537394, 29159838, 36819107). Computational prediction algorithms indicate this variant is likely to affect gene or protein function. Given the available evidence, this variant is classified as Likely Pathogenic.

Labcorp Genetics (formerly Invitae), Labcorp
Classification: Pathogenic. Last evaluated: 2024-07-19. Review status: criteria provided, single submitter. Criteria: Invitae Variant Classification Sherloc (09022015). Collection method: clinical testing. Allele origin: germline.
Comment: This sequence change replaces isoleucine, which is neutral and non-polar, with asparagine, which is neutral and polar, at codon 2995 of the EYS protein (p.Ile2995Asn). This variant is present in population databases (no rsID available, gnomAD 0.002%). This missense change has been observed in individual(s) with retinitis pigmentosa (PMID: 20537394, 29159838; Invitae). In at least one individual the data is consistent with being in trans (on the opposite chromosome) from a pathogenic variant. ClinVar contains an entry for this variant (Variation ID: 939428). Advanced modeling of protein sequence and biophysical properties (such as structural, functional, and spatial information, amino acid conservation, physicochemical variation, residue mobility, and thermodynamic stability) has been performed at Invitae for this missense variant, however the output from this modeling did not meet the statistical confidence thresholds required to predict the impact of this variant on EYS protein function. For these reasons, this variant has been classified as Pathogenic.

Fulgent Genetics
Classification: Likely pathogenic for Retinitis pigmentosa 25. Last evaluated: 2024-06-17. Review status: criteria provided, single submitter. Criteria: ACMG Guidelines, 2015. Collection method: clinical testing. Allele origin: germline.

Baylor Genetics
Classification: Pathogenic for Retinitis pigmentosa 25. Last evaluated: 2023-11-20. Review status: criteria provided, single submitter. Criteria: ACMG Guidelines, 2015. Collection method: clinical testing. Allele origin: unknown.

Women's Health and Genetics/Laboratory Corporation of America, LabCorp
Classification: Likely pathogenic for Retinitis pigmentosa. Last evaluated: 2023-03-21. Review status: criteria provided, single submitter. Criteria: LabCorp Variant Classification Summary - May 2015. Collection method: clinical testing. Allele origin: germline.
Comment: Variant summary: EYS c.8984T>A (p.Ile2995Asn) results in a non-conservative amino acid change located in the Laminin G domain (IPR001791) of the encoded protein sequence. Five of five in-silico tools predict a damaging effect of the variant on protein function. The variant allele was found at a frequency of 6.4e-06 in 157108 control chromosomes. The available data on variant occurrences in the general population are insufficient to allow any conclusion about variant significance. c.8984T>A has been reported in the literature in individuals affected with Retinitis Pigmentosa (e.g., Littink_2010, Ge_2015, Messchaert_2018, Pierrache_2019). These data indicate that the variant may be associated with disease. To our knowledge, no experimental evidence demonstrating an impact on protein function has been reported. Two ClinVar submitters (evaluation after 2014) have cited the variant, and both laboratories classified the variant as pathogenic. Based on the evidence outlined above, the variant was classified as likely pathogenic.

Institute of Medical Genetics and Applied Genomics, University Hospital Tübingen
Classification: Pathogenic. Last evaluated: 2020-10-23. Review status: criteria provided, single submitter. Criteria: ACMG Guidelines, 2015. Collection method: clinical testing. Allele origin: germline. Inheritance: Unknown mechanism. Affected: yes.

Institute of Human Genetics, Univ. Regensburg, Univ. Regensburg
Classification: Likely pathogenic for Retinal dystrophy. Last evaluated: 2019-01-01. Review status: criteria provided, single submitter. Criteria: ACMG Guidelines, 2015. Collection method: clinical testing. Allele origin: germline. Affected: yes.

Literature cited by the submitters: PubMed 20537394 (cited by 4 submitters); PubMed 29159838 (cited by 3 submitters); PubMed 36819107 (cited by Natera, Inc. and Institute of Human Genetics, Univ. Regensburg, Univ. Regensburg); PubMed 26667666 (cited by Women's Health and Genetics/Laboratory Corporation of America, LabCorp); PubMed 34178978 (cited by Women's Health and Genetics/Laboratory Corporation of America, LabCorp); PubMed 31074760 (cited by Women's Health and Genetics/Laboratory Corporation of America, LabCorp and Institute of Human Genetics, Univ. Regensburg, Univ. Regensburg); PubMed 31964843 (cited by Institute of Human Genetics, Univ. Regensburg, Univ. Regensburg).